The following is an entry in ClinVar:

ClinVar aggregate classification (germline): Uncertain significance (1 of 4 stars; one submission).

Allele frequency attached by ClinVar (database versions not stated): TOPMed below 0.00001; gnomAD exomes 0.00001.
gnomAD v4.1: 12 of 1,614,186 alleles (0.00074%); highest among the groups gnomAD compares: Non-Finnish European, 0.001%; no homozygotes.

Submission:

GeneDx
Classification: Uncertain significance. Last evaluated: 2018-11-19. Review status: criteria provided, single submitter. Criteria: GeneDx Variant Classification (06012015). Collection method: clinical testing. Allele origin: germline. Affected: yes.
Comment: The I667N variant in the ADCY5 gene has not been reported previously as a pathogenic variant, nor as a benign variant, to our knowledge. The I667N variant was not observed in approximately 6500 individuals of European and African American ancestry in the NHLBI Exome Sequencing Project, indicating it is not a common benign variant in these populations. The I667N variant is a non-conservative amino acid substitution, which is likely to impact secondary protein structure as these residues differ in polarity, charge, size and/or other properties. However, this substitution occurs at a position where amino acids with similar properties to Isoleucine are tolerated across species, and in silico analysis is inconsistent in its predictions as to whether or not the variant is damaging to the protein structure/function. We interpret I667N as a variant of uncertain significance.

NM_183357.3(ADCY5):c.2000T>A (p.Ile667Asn)

Gene: ADCY5 (adenylate cyclase 5; minus strand). Cytogenetic location: 3q21.1.
Variant type: single nucleotide variant.
Coding change: c.2000T>A on transcript NM_183357.3 (MANE Select); coding-DNA position 2000, T replaced by A.
Protein change: p.Ile667Asn; replaces isoleucine 667 with asparagine.
Molecular consequence: missense variant.
Genome position (GRCh38, 1-based): chr3:123,325,410, A>T on the plus strand (T>A on the coding strand, the complement: ADCY5 is on the minus strand). VCF-style: chr3-123325410-A-T. GRCh37 (hg19) VCF-style: chr3-123044257-A-T.
Other names: c.950T>A, p.Ile317Asn (NM_001199642.1); c.2000T>A, p.Ile667Asn (NM_001378259.1); short protein forms I667N, I317N.
Identifiers: ClinVar variation 380880 (VCV000380880.2), dbSNP rs771435487, ClinGen allele CA16604356.